The following is an entry in ClinVar:

ClinVar aggregate classification (germline): Uncertain significance (1 of 4 stars; one submission).

Conditions:
Tuberous sclerosis 2 (TSC2). Identifiers: Orphanet 805, MedGen C1860707, MONDO:0013199, OMIM 613254.

Submission:

Labcorp Genetics (formerly Invitae), Labcorp
Classification: Uncertain significance for Tuberous sclerosis 2. Last evaluated: 2023-01-15. Review status: criteria provided, single submitter. Criteria: Invitae Variant Classification Sherloc (09022015). Collection method: clinical testing. Allele origin: germline.
Comment: In summary, the available evidence is currently insufficient to determine the role of this variant in disease. Therefore, it has been classified as a Variant of Uncertain Significance. Advanced modeling of protein sequence and biophysical properties (such as structural, functional, and spatial information, amino acid conservation, physicochemical variation, residue mobility, and thermodynamic stability) performed at Invitae indicates that this missense variant is not expected to disrupt TSC2 protein function. ClinVar contains an entry for this variant (Variation ID: 1351228). This variant has not been reported in the literature in individuals affected with TSC2-related conditions. This variant is not present in population databases (gnomAD no frequency). This sequence change replaces proline, which is neutral and non-polar, with threonine, which is neutral and polar, at codon 1771 of the TSC2 protein (p.Pro1771Thr).

NM_000548.5(TSC2):c.5311C>A (p.Pro1771Thr)

Gene: TSC2 (TSC complex subunit 2; plus strand). Cytogenetic location: 16p13.3.
Variant type: single nucleotide variant.
Coding change: c.5311C>A on transcript NM_000548.5 (MANE Select); coding-DNA position 5311, C replaced by A.
Protein change: p.Pro1771Thr; replaces proline 1771 with threonine.
Molecular consequence: missense variant.
Genome position (GRCh38, 1-based): chr16:2,088,497, C>A. VCF-style: chr16-2088497-C-A. GRCh37 (hg19) VCF-style: chr16-2138498-C-A.
Other names: c.5110C>A, p.Pro1704Thr (NM_001077183.3); c.5242C>A, p.Pro1748Thr (NM_001114382.3); c.5002C>A, p.Pro1668Thr (NM_001318827.2); c.4966C>A, p.Pro1656Thr (NM_001318829.2); c.4579C>A, p.Pro1527Thr (NM_001318831.2); c.5143C>A, p.Pro1715Thr (NM_001318832.2); c.5113C>A, p.Pro1705Thr (NM_001363528.2); c.5179C>A, p.Pro1727Thr (NM_001370404.1); and 2 more; short protein forms P1527T, P1705T, P1727T, P1656T, P1668T, P1715T, P1728T, P1771T.
Identifiers: ClinVar variation 1351228 (VCV001351228.8), dbSNP rs777006583, ClinGen allele CA394315421.